The following is an entry in ClinVar:

ClinVar aggregate classification (germline): Uncertain significance (1 of 4 stars; one submission).

Submission:

GeneDx
Classification: Uncertain significance. Last evaluated: 2022-02-15. Review status: criteria provided, single submitter. Criteria: GeneDx Variant Classification Process June 2021. Collection method: clinical testing. Allele origin: germline. Affected: yes.
Comment: Has not been previously published as pathogenic or benign to our knowledge; In silico analysis supports that this missense variant has a deleterious effect on protein structure/function; Not observed at significant frequency in large population cohorts (gnomAD)

NM_012330.4(KAT6B):c.1413A>T (p.Lys471Asn)

Gene: KAT6B (lysine acetyltransferase 6B; plus strand). Cytogenetic location: 10q22.2.
Variant type: single nucleotide variant.
Coding change: c.1413A>T on transcript NM_012330.4 (MANE Select); coding-DNA position 1413, A replaced by T.
Protein change: p.Lys471Asn; replaces lysine 471 with asparagine.
Molecular consequence: missense variant. On other transcripts: intron variant (11).
Genome position (GRCh38, 1-based): chr10:74,975,750, A>T. VCF-style: chr10-74975750-A-T. GRCh37 (hg19) VCF-style: chr10-76735508-A-T.
Other names: c.1413A>T, p.Lys471Asn (NM_001256468.2, NM_001370136.1, NM_001370137.1 and 1 more transcripts); c.1117+296A>T (NM_001370139.1, NM_001370140.1, NM_001370141.1 and 3 more transcripts); c.846+5975A>T (NM_001370133.1); c.193-3474A>T (NM_001370134.1); c.929-1566A>T (NM_001370143.1, NM_001370144.1); c.193-13269A>T (NM_001370135.1); short protein forms K471N.
Identifiers: ClinVar variation 1343050 (VCV001343050.2), dbSNP rs2133724031, ClinGen allele CA377286305.